The following is an entry in ClinVar:

ClinVar aggregate classification (germline): Uncertain significance (1 of 4 stars; one submission).

Conditions:
Renal cell carcinoma. Identifiers: Orphanet 217071, MedGen C0007134, MeSH D002292, MONDO:0005086, HP:0005584.

Submission:

Labcorp Genetics (formerly Invitae), Labcorp
Classification: Uncertain significance for Renal cell carcinoma. Last evaluated: 2025-12-24. Review status: criteria provided, single submitter. Criteria: Invitae Variant Classification Sherloc (09022015). Collection method: clinical testing. Allele origin: germline.
Comment: This sequence change replaces histidine, which is basic and polar, with tyrosine, which is neutral and polar, at codon 1154 of the MET protein (p.His1154Tyr). This variant is not present in population databases (gnomAD no frequency). This variant has not been reported in the literature in individuals affected with MET-related conditions. Invitae Evidence Modeling of protein sequence and biophysical properties (such as structural, functional, and spatial information, amino acid conservation, physicochemical variation, residue mobility, and thermodynamic stability) indicates that this missense variant is expected to disrupt MET protein function with a positive predictive value of 80%. In summary, the available evidence is currently insufficient to determine the role of this variant in disease. Therefore, it has been classified as a Variant of Uncertain Significance.

NM_000245.4(MET):c.3406C>T (p.His1136Tyr)

Gene: MET (MET proto-oncogene, receptor tyrosine kinase; plus strand). Cytogenetic location: 7q31.2.
Variant type: single nucleotide variant.
Coding change: c.3406C>T on transcript NM_000245.4 (MANE Select); coding-DNA position 3406, C replaced by T.
Protein change: p.His1136Tyr; replaces histidine 1136 with tyrosine.
Molecular consequence: missense variant.
Genome position (GRCh38, 1-based): chr7:116,778,841, C>T. VCF-style: chr7-116778841-C-T. GRCh37 (hg19) VCF-style: chr7-116418895-C-T.
Other names: c.3460C>T, p.His1154Tyr (NM_001127500.3); c.2116C>T, p.His706Tyr (NM_001324402.2); short protein forms H706Y, H1136Y, H1154Y.
Identifiers: ClinVar variation 4748740 (VCV004748740.1).